The following is an entry in ClinVar:

NM_000489.6(ATRX):c.3913A>G (p.Lys1305Glu)

Gene: ATRX (ATRX chromatin remodeler; minus strand). Cytogenetic location: Xq21.1.
Variant type: single nucleotide variant.
Coding change: c.3913A>G on transcript NM_000489.6 (MANE Select); coding-DNA position 3913, A replaced by G.
Protein change: p.Lys1305Glu; replaces lysine 1305 with glutamic acid.
Molecular consequence: missense variant.
Genome position (GRCh38, 1-based): chrX:77,664,675, T>C on the plus strand (A>G on the coding strand, the complement: ATRX is on the minus strand). VCF-style: chrX-77664675-T-C. GRCh37 (hg19) VCF-style: chrX-76920164-T-C.
Other names: c.3799A>G, p.Lys1267Glu (NM_138270.5); short protein forms K1305E, K1267E.
Identifiers: ClinVar variation 4764802 (VCV004764802.1).

ClinVar aggregate classification (germline): Uncertain significance (1 of 4 stars; one submission).

Conditions:
Alpha thalassemia-X-linked intellectual disability syndrome (ATRX). Also called: ALPHA-THALASSEMIA/MENTAL RETARDATION SYNDROME, X-LINKED; ATR, NONDELETION TYPE; ATR-X syndrome; Alpha thalassemia mental retardation syndrome, nondeletion type, X-linked; XLMR hypotonic face syndrome; X-linked alpha-thalassemia-mental retardation syndrome. Identifiers: Orphanet 847, MedGen C1845055, MONDO:0010519, OMIM 301040.

Submission:

Labcorp Genetics (formerly Invitae), Labcorp
Classification: Uncertain significance for Alpha thalassemia-X-linked intellectual disability syndrome. Last evaluated: 2025-11-10. Review status: criteria provided, single submitter. Criteria: Invitae Variant Classification Sherloc (09022015). Collection method: clinical testing. Allele origin: germline.
Comment: This sequence change replaces lysine, which is basic and polar, with glutamic acid, which is acidic and polar, at codon 1305 of the ATRX protein (p.Lys1305Glu). This variant is not present in population databases (gnomAD no frequency). This variant has not been reported in the literature in individuals affected with ATRX-related conditions. Invitae Evidence Modeling of protein sequence and biophysical properties (such as structural, functional, and spatial information, amino acid conservation, physicochemical variation, residue mobility, and thermodynamic stability) indicates that this missense variant is not expected to disrupt ATRX protein function with a negative predictive value of 95%. In summary, the available evidence is currently insufficient to determine the role of this variant in disease. Therefore, it has been classified as a Variant of Uncertain Significance.